The following is an entry in ClinVar:

NM_001130987.2(DYSF):c.2345A>G (p.Glu782Gly)

Gene: DYSF (dysferlin; plus strand). Cytogenetic location: 2p13.2.
Variant type: single nucleotide variant.
Coding change: c.2345A>G on transcript NM_001130987.2 (MANE Select); coding-DNA position 2345, A replaced by G.
Protein change: p.Glu782Gly; replaces glutamic acid 782 with glycine.
Molecular consequence: missense variant.
Genome position (GRCh38, 1-based): chr2:71,561,880, A>G. VCF-style: chr2-71561880-A-G. GRCh37 (hg19) VCF-style: chr2-71789010-A-G.
Other names: c.2294A>G, p.Glu765Gly (NM_001130455.2, NM_001130983.2); c.2249A>G, p.Glu750Gly (NM_001130976.2, NM_001130977.2); c.2291A>G, p.Glu764Gly (NM_001130978.2, NM_003494.4); c.2384A>G, p.Glu795Gly (NM_001130979.2); c.2342A>G, p.Glu781Gly (NM_001130980.2, NM_001130981.2); c.2387A>G, p.Glu796Gly (NM_001130982.2); c.2252A>G, p.Glu751Gly (NM_001130984.2, NM_001130986.2); c.2345A>G, p.Glu782Gly (NM_001130985.2); short protein forms E796G, E750G, E764G, E765G, E781G, E782G, E751G, E795G.
Identifiers: ClinVar variation 2151669 (VCV002151669.1), dbSNP rs2545753554, ClinGen allele CA347209715.
Genomic context (GRCh38, chr2:71,561,880, plus strand): 5'-GCACCCATCACCTGAGCCAAATCACTGAGGCTGCCCTGGCCCTGAAGCTCGGCCACAGTG[A>G]GCTCCCTGCAGCTCTGGAGCAGGCGGAGGACTGGCTCCTGCGTCTGCGTGCCCTGGCAGA-3'
Protein context (NP_001124459.1, residues 772-792): AALALKLGHS[Glu782Gly]LPAALEQAED

ClinVar aggregate classification (germline): Uncertain significance (1 of 4 stars; one submission).

Conditions:
Neuromuscular disease caused by qualitative or quantitative defects of dysferlin. Also called: Dysferlinopathy; Qualitative or quantitative defects of dysferlin. Identifiers: Orphanet 207073, MedGen C2931687, MONDO:0016145.

Allele frequency attached by ClinVar (database versions not stated): gnomAD exomes below 0.00001.
gnomAD v4.1: 1 of 1,613,980 alleles (0.000062%); highest among the groups gnomAD compares: Non-Finnish European, 0.000085%; no homozygotes.

Submission:

Labcorp Genetics (formerly Invitae), Labcorp
Classification: Uncertain significance for Neuromuscular disease caused by qualitative or quantitative defects of dysferlin. Last evaluated: 2022-09-23. Review status: criteria provided, single submitter. Criteria: Invitae Variant Classification Sherloc (09022015). Collection method: clinical testing. Allele origin: germline.
Comment: This sequence change replaces glutamic acid, which is acidic and polar, with glycine, which is neutral and non-polar, at codon 764 of the DYSF protein (p.Glu764Gly). This variant is not present in population databases (gnomAD no frequency). This variant has not been reported in the literature in individuals affected with DYSF-related conditions. Advanced modeling of protein sequence and biophysical properties (such as structural, functional, and spatial information, amino acid conservation, physicochemical variation, residue mobility, and thermodynamic stability) performed at Invitae indicates that this missense variant is not expected to disrupt DYSF protein function. In summary, the available evidence is currently insufficient to determine the role of this variant in disease. Therefore, it has been classified as a Variant of Uncertain Significance.